The following is an entry in ClinVar:

ClinVar aggregate classification (germline): Uncertain significance (1 of 4 stars; one submission).

gnomAD v4.1: 1 of 1,614,184 alleles (0.000062%); highest among the groups gnomAD compares: East Asian, 0.0022%; no homozygotes.

Submission:

Labcorp Genetics (formerly Invitae), Labcorp
Classification: Uncertain significance. Last evaluated: 2025-03-30. Review status: criteria provided, single submitter. Criteria: Invitae Variant Classification Sherloc (09022015). Collection method: clinical testing. Allele origin: germline.
Comment: This sequence change replaces serine, which is neutral and polar, with leucine, which is neutral and non-polar, at codon 1396 of the DIP2C protein (p.Ser1396Leu). This variant is not present in population databases (gnomAD no frequency). This variant has not been reported in the literature in individuals affected with DIP2C-related conditions. An algorithm developed to predict the effect of missense changes on protein structure and function (PolyPhen-2) suggests that this variant is likely to be disruptive. In summary, the available evidence is currently insufficient to determine the role of this variant in disease. Therefore, it has been classified as a Variant of Uncertain Significance.

NM_014974.3(DIP2C):c.4187C>T (p.Ser1396Leu)

Gene: DIP2C (DIP2 acetate--CoA ligase C (putative); minus strand). Cytogenetic location: 10p15.3.
Variant type: single nucleotide variant.
Coding change: c.4187C>T on transcript NM_014974.3 (MANE Select); coding-DNA position 4187, C replaced by T.
Protein change: p.Ser1396Leu; replaces serine 1396 with leucine.
Molecular consequence: missense variant.
Genome position (GRCh38, 1-based): chr10:283,379, G>A on the plus strand (C>T on the coding strand, the complement: DIP2C is on the minus strand). VCF-style: chr10-283379-G-A. GRCh37 (hg19) VCF-style: chr10-329319-G-A.
Other names: short protein forms S1396L.
Identifiers: ClinVar variation 4773322 (VCV004773322.1).